The following is an entry in ClinVar:

ClinVar aggregate classification (germline): Uncertain significance. Review status: criteria provided, multiple submitters, no conflicts (2 of 4 stars). 5 submissions from 5 submitters: Uncertain significance (4). 1 of the submissions does not count toward it. Last evaluated 2025-12-30.

Conditions:
MYPN-related disorder. Also called: MYPN-related condition.
Cardiovascular phenotype. Identifiers: MedGen CN230736.
Dilated cardiomyopathy 1KK (CMD1KK). Identifiers: Orphanet 154, Orphanet 75249, MedGen C3714995, MONDO:0014100, OMIM 615248.

Allele frequency attached by ClinVar (database versions not stated): TOPMed 0.00001; gnomAD exomes 0.00002; ExAC 0.00003; ESP Exome Variant Server 0.00008.
gnomAD v4.1: 68 of 1,613,968 alleles (0.0042%); highest among the groups gnomAD compares: African/African-American, 0.0067%; no homozygotes.

Submissions (5):

PreventionGenetics, part of Exact Sciences
Classification: Uncertain significance for MYPN-related condition. Last evaluated: 2025-12-30. Review status: criteria provided, single submitter. Criteria: ACMG Guidelines, 2015. Collection method: clinical testing. Allele origin: germline.
Comment: The MYPN c.2428C>T variant is predicted to result in the amino acid substitution p.Arg810Cys. This variant has been reported in an individual with hypertrophic cardiomyopathy (Online Supplementary File 2, van Lint et al. 2019. PubMed ID: 30847666) and in an individual with noncompaction cardiomyopathy (NCCM) (Online Table 3, van Waning et al. 2018. PubMed ID: 29447731). This variant is reported in 0.0044% of alleles in individuals of European (Non-Finnish) descent in gnomAD and is interpreted as uncertain in ClinVar (Variation ID: 477751). At this time, the clinical significance of this variant is uncertain due to the absence of conclusive functional and genetic evidence.

Labcorp Genetics (formerly Invitae), Labcorp
Classification: Uncertain significance for Dilated cardiomyopathy 1KK. Last evaluated: 2025-12-15. Review status: criteria provided, single submitter. Criteria: Invitae Variant Classification Sherloc (09022015). Collection method: clinical testing. Allele origin: germline.
Comment: This sequence change replaces arginine, which is basic and polar, with cysteine, which is neutral and slightly polar, at codon 810 of the MYPN protein (p.Arg810Cys). This variant is present in population databases (rs369380120, gnomAD 0.004%). This missense change has been observed in individual(s) with clinical features of hypertrophic cardiomyopathy (PMID: 30847666). ClinVar contains an entry for this variant (Variation ID: 477751). An algorithm developed to predict the effect of missense changes on protein structure and function (PolyPhen-2) suggests that this variant is likely to be disruptive. In summary, the available evidence is currently insufficient to determine the role of this variant in disease. Therefore, it has been classified as a Variant of Uncertain Significance.

Ambry Genetics
Classification: Uncertain significance for Cardiovascular phenotype. Last evaluated: 2025-06-16. Review status: criteria provided, single submitter. Criteria: Ambry Variant Classification Scheme 2023. Collection method: clinical testing. Allele origin: germline.
Comment: The p.R810C variant (also known as c.2428C>T), located in coding exon 10 of the MYPN gene, results from a C to T substitution at nucleotide position 2428. The arginine at codon 810 is replaced by cysteine, an amino acid with highly dissimilar properties. This variant has been detected in a non-compaction cardiomyopathy cohort and in an individual with hypertrophic cardiomyopathy; however, clinical details were limited (van Waning JI et al. J. Am. Coll. Cardiol., 2018 Feb;71:711-722; van Lint FHM et al. Neth Heart J. 2019 Jun;27(6):304-309). This amino acid position is not well conserved in available vertebrate species. In addition, this alteration is predicted to be tolerated by in silico analysis. Since supporting evidence is limited at this time, the clinical significance of this alteration remains unclear.

Clinical Genetics DNA and cytogenetics Diagnostics Lab, Erasmus MC, Erasmus Medical Center
Classification: Uncertain significance for Dilated cardiomyopathy 1KK. Last evaluated: 2015-09-21. Review status: criteria provided, single submitter. Criteria: ACGS Guidelines, 2013. Collection method: clinical testing. Allele origin: germline. Affected: yes. Study: VKGL Data-share Consensus.

Clinical Genetics, Academic Medical Center
Classification: Uncertain significance. Review status: no assertion criteria provided. Collection method: clinical testing. Allele origin: germline. Affected: yes. Study: VKGL Data-share Consensus. Not counted in ClinVar's aggregate classification.

Literature cited by the submitters: PubMed 30847666 (cited by Labcorp Genetics (formerly Invitae), Labcorp and Ambry Genetics); PubMed 29447731 (cited by Ambry Genetics).

NM_032578.4(MYPN):c.2428C>T (p.Arg810Cys)

Gene: MYPN (myopalladin; plus strand). Cytogenetic location: 10q21.3.
Variant type: single nucleotide variant.
Coding change: c.2428C>T on transcript NM_032578.4 (MANE Select); coding-DNA position 2428, C replaced by T.
Protein change: p.Arg810Cys; replaces arginine 810 with cysteine.
Molecular consequence: missense variant. On other transcripts: non-coding transcript variant (2).
Genome position (GRCh38, 1-based): chr10:68,174,520, C>T. VCF-style: chr10-68174520-C-T. GRCh37 (hg19) VCF-style: chr10-69934277-C-T.
Other names: c.2428C>T, p.Arg810Cys (NM_001256267.2); c.1546C>T, p.Arg516Cys (NM_001256268.2); short protein forms R810C, R516C.
Identifiers: ClinVar variation 477751 (VCV000477751.13), dbSNP rs369380120, ClinGen allele CA5522788.